The following is an entry in ClinVar:

ClinVar aggregate classification (germline): Uncertain significance (1 of 4 stars; one submission).

Conditions:
Bethlem myopathy 1A. Also called: Bethlem myopathy 1; MYOPATHY, BENIGN CONGENITAL, WITH CONTRACTURES; Bethlem Muscular Dystrophy. Identifiers: Orphanet 610, MedGen CN029274, MONDO:0024530, OMIM 158810.

Allele frequency attached by ClinVar (database versions not stated): gnomAD exomes below 0.00001.
gnomAD v4.1: 1 of 1,613,468 alleles (0.000062%); highest among the groups gnomAD compares: Admixed American, 0.0017%; no homozygotes.

Submission:

Labcorp Genetics (formerly Invitae), Labcorp
Classification: Uncertain significance for Bethlem myopathy 1A. Last evaluated: 2022-04-12. Review status: criteria provided, single submitter. Criteria: Invitae Variant Classification Sherloc (09022015). Collection method: clinical testing. Allele origin: germline.
Comment: This sequence change replaces valine, which is neutral and non-polar, with glycine, which is neutral and non-polar, at codon 3165 of the COL6A3 protein (p.Val3165Gly). This variant is present in population databases (no rsID available, gnomAD 0.003%). This variant has not been reported in the literature in individuals affected with COL6A3-related conditions. Algorithms developed to predict the effect of missense changes on protein structure and function output the following: SIFT: "Tolerated"; PolyPhen-2: "Not Available"; Align-GVGD: "Class C0". The glycine amino acid residue is found in multiple mammalian species, which suggests that this missense change does not adversely affect protein function. In summary, the available evidence is currently insufficient to determine the role of this variant in disease. Therefore, it has been classified as a Variant of Uncertain Significance.

NM_004369.4(COL6A3):c.9494T>G (p.Val3165Gly)

Genes: COL6A3 (collagen type VI alpha 3 chain; minus strand), LOC126806573 (CDK7 strongly-dependent group 2 enhancer GRCh37_chr2:238233151-238234350; plus strand). Cytogenetic location: 2q37.3.
Variant type: single nucleotide variant.
Coding change: c.9494T>G on transcript NM_004369.4 (MANE Select); coding-DNA position 9494, T replaced by G.
Protein change: p.Val3165Gly; replaces valine 3165 with glycine.
Molecular consequence: missense variant.
Genome position (GRCh38, 1-based): chr2:237,324,814, A>C on the plus strand (T>G on the coding strand, the complement: COL6A3 is on the minus strand). VCF-style: chr2-237324814-A-C. GRCh37 (hg19) VCF-style: chr2-238233457-A-C.
Other names: c.7673T>G, p.Val2558Gly (NM_057166.5); c.8876T>G, p.Val2959Gly (NM_057167.4); short protein forms V2558G, V2959G, V3165G.
Identifiers: ClinVar variation 1899178 (VCV001899178.5), dbSNP rs1409714765, ClinGen allele CA351185303.